The following is an entry in ClinVar:

NM_003470.3(USP7):c.2534A>T (p.Tyr845Phe)

Gene: USP7 (ubiquitin specific peptidase 7; minus strand). Cytogenetic location: 16p13.2.
Variant type: single nucleotide variant.
Coding change: c.2534A>T on transcript NM_003470.3 (MANE Select); coding-DNA position 2534, A replaced by T.
Protein change: p.Tyr845Phe; replaces tyrosine 845 with phenylalanine.
Molecular consequence: missense variant. On other transcripts: non-coding transcript variant (1).
Genome position (GRCh38, 1-based): chr16:8,898,637, T>A on the plus strand (A>T on the coding strand, the complement: USP7 is on the minus strand). VCF-style: chr16-8898637-T-A. GRCh37 (hg19) VCF-style: chr16-8992494-T-A.
Other names: c.2486A>T, p.Tyr829Phe (NM_001286457.2); c.2237A>T, p.Tyr746Phe (NM_001286458.2); c.2360A>T, p.Tyr787Phe (NM_001321858.2); short protein forms Y746F, Y845F, Y787F, Y829F.
Identifiers: ClinVar variation 5008444 (VCV005008444.1).

ClinVar aggregate classification (germline): Uncertain significance (1 of 4 stars; one submission).

Submission:

GeneDx
Classification: Uncertain significance. Last evaluated: 2026-03-06. Review status: criteria provided, single submitter. Criteria: GeneDx Variant Classification Process June 2021. Collection method: clinical testing. Allele origin: germline.
Comment: Not observed at significant frequency in large population cohorts (gnomAD); In silico analysis supports that this missense variant has a deleterious effect on protein structure/function; Has not been previously published as pathogenic or benign to our knowledge